The following is an entry in ClinVar:

NM_000587.4(C7):c.2266A>G (p.Thr756Ala)

Gene: C7 (complement C7; plus strand). Cytogenetic location: 5p13.1.
Variant type: single nucleotide variant.
Coding change: c.2266A>G on transcript NM_000587.4 (MANE Select); coding-DNA position 2266, A replaced by G.
Protein change: p.Thr756Ala; replaces threonine 756 with alanine.
Molecular consequence: missense variant.
Genome position (GRCh38, 1-based): chr5:40,979,825, A>G. VCF-style: chr5-40979825-A-G. GRCh37 (hg19) VCF-style: chr5-40979927-A-G.
Other names: short protein forms T756A.
Identifiers: ClinVar variation 1428688 (VCV001428688.3), dbSNP rs1021993808, ClinGen allele CA117241034.
Genomic context (GRCh38, chr5:40,979,825, plus strand): 5'-AGGATACTGCCTCTGACAGTTTGCAAGATGCATGTTCTCCACTGTCAGGGTAGAAATTAC[A>G]CCCTTACTGGTAGGGACAGCTGTACTCTGCCTGCCTCAGCTGAGAAAGCTTGTGGTGCCT-3'
Protein context (NP_000578.2, residues 746-766): HVLHCQGRNY[Thr756Ala]LTGRDSCTLP

ClinVar aggregate classification (germline): Uncertain significance (1 of 4 stars; one submission).

Allele frequency attached by ClinVar (database versions not stated): gnomAD 0.00001; TOPMed 0.00003.
gnomAD v4.1: 2 of 1,613,418 alleles (0.00012%); highest among the groups gnomAD compares: African/African-American, 0.0027%; no homozygotes.

Submission:

Labcorp Genetics (formerly Invitae), Labcorp
Classification: Uncertain significance. Last evaluated: 2022-02-25. Review status: criteria provided, single submitter. Criteria: Invitae Variant Classification Sherloc (09022015). Collection method: clinical testing. Allele origin: germline.
Comment: This sequence change replaces threonine, which is neutral and polar, with alanine, which is neutral and non-polar, at codon 756 of the C7 protein (p.Thr756Ala). This variant is not present in population databases (gnomAD no frequency). This variant has not been reported in the literature in individuals affected with C7-related conditions. Algorithms developed to predict the effect of missense changes on protein structure and function (SIFT, PolyPhen-2, Align-GVGD) all suggest that this variant is likely to be tolerated. In summary, the available evidence is currently insufficient to determine the role of this variant in disease. Therefore, it has been classified as a Variant of Uncertain Significance.